The following is an entry in ClinVar:

NM_001130823.3(DNMT1):c.2569G>A (p.Glu857Lys)

Gene: DNMT1 (DNA methyltransferase 1; minus strand). Cytogenetic location: 19p13.2.
Variant type: single nucleotide variant.
Coding change: c.2569G>A on transcript NM_001130823.3 (MANE Select); coding-DNA position 2569, G replaced by A.
Protein change: p.Glu857Lys; replaces glutamic acid 857 with lysine.
Molecular consequence: missense variant.
Genome position (GRCh38, 1-based): chr19:10,149,470, C>T on the plus strand (G>A on the coding strand, the complement: DNMT1 is on the minus strand). VCF-style: chr19-10149470-C-T. GRCh37 (hg19) VCF-style: chr19-10260146-C-T.
Other names: c.2521G>A, p.Glu841Lys (NM_001318730.2, NM_001379.4); c.2206G>A, p.Glu736Lys (NM_001318731.2); short protein forms E736K, E841K, E857K.
Identifiers: ClinVar variation 1700450 (VCV001700450.2), dbSNP rs751754286, ClinGen allele CA9188028.

ClinVar aggregate classification (germline): Uncertain significance (1 of 4 stars; one submission).

Allele frequency attached by ClinVar (database versions not stated): ExAC 0.00001; gnomAD 0.00001; gnomAD exomes 0.00001; TOPMed 0.00001.
gnomAD v4.1: 11 of 1,613,976 alleles (0.00068%); highest among the groups gnomAD compares: Middle Eastern, 0.016%; no homozygotes.

Submission:

GeneDx
Classification: Uncertain significance. Last evaluated: 2022-02-08. Review status: criteria provided, single submitter. Criteria: GeneDx Variant Classification Process June 2021. Collection method: clinical testing. Allele origin: germline. Affected: yes.
Comment: In silico analysis supports that this missense variant does not alter protein structure/function; Has not been previously published as pathogenic or benign to our knowledge